The following is an entry in ClinVar:

ClinVar aggregate classification (germline): Uncertain significance. Review status: criteria provided, multiple submitters, no conflicts (2 of 4 stars). 3 submissions from 3 submitters: Uncertain significance (3). Last evaluated 2025-10-08.

Conditions:
Charcot-Marie-Tooth disease type 4A. Also called: Charcot-Marie-Tooth disease, demyelinating, autosomal recessive, type 4a. Identifiers: Orphanet 99948, MedGen C1859198, MONDO:0008961, OMIM 214400.
GDAP1-related disorder. Also called: GDAP1-related condition; GDAP1-related disorders.

Allele frequency attached by ClinVar (database versions not stated): gnomAD exomes 0.00001 and 0.00002; ExAC 0.00002; ESP Exome Variant Server 0.00008.
gnomAD v4.1: 15 of 1,613,278 alleles (0.00093%); highest among the groups gnomAD compares: Non-Finnish European, 0.0012%; no homozygotes.

Submissions (3):

PreventionGenetics, part of Exact Sciences
Classification: Uncertain significance for GDAP1-related condition. Last evaluated: 2025-10-08. Review status: criteria provided, single submitter. Criteria: ACMG Guidelines, 2015. Collection method: clinical testing. Allele origin: germline.
Comment: The GDAP1 c.389C>A variant is predicted to result in the amino acid substitution p.Ser130Tyr. To our knowledge, this variant has not been reported in the literature. This variant is reported in 0.0050% of alleles in individuals of East Asian descent in gnomAD. An alternate missense change at the same amino acid position (p.Ser130Cys) has been reported with a second GDAP1 splice variant in an individual affected with features of Charcot-Marie-Tooth disease (Kabzinska et al. 2005. PubMed ID: 15944907). At this time, the clinical significance of this variant is uncertain due to the absence of conclusive functional and genetic evidence.

Labcorp Genetics (formerly Invitae), Labcorp
Classification: Uncertain significance for Charcot-Marie-Tooth disease type 4A. Last evaluated: 2024-10-29. Review status: criteria provided, single submitter. Criteria: Invitae Variant Classification Sherloc (09022015). Collection method: clinical testing. Allele origin: germline.
Comment: This sequence change replaces serine, which is neutral and polar, with tyrosine, which is neutral and polar, at codon 130 of the GDAP1 protein (p.Ser130Tyr). The frequency data for this variant in the population databases is considered unreliable, as metrics indicate poor data quality at this position in the gnomAD database. This variant has not been reported in the literature in individuals affected with GDAP1-related conditions. ClinVar contains an entry for this variant (Variation ID: 810296). Invitae Evidence Modeling of protein sequence and biophysical properties (such as structural, functional, and spatial information, amino acid conservation, physicochemical variation, residue mobility, and thermodynamic stability) has been performed for this missense variant. However, the output from this modeling did not meet the statistical confidence thresholds required to predict the impact of this variant on GDAP1 protein function. In summary, the available evidence is currently insufficient to determine the role of this variant in disease. Therefore, it has been classified as a Variant of Uncertain Significance.

CeGaT Center for Human Genetics Tuebingen
Classification: Uncertain significance. Last evaluated: 2019-05-01. Review status: criteria provided, single submitter. Criteria: CeGaT Center For Human Genetics Tuebingen Variant Classification Criteria Version 2. Collection method: clinical testing. Allele origin: germline. Affected: yes. Observed: 1 variant allele.

NM_018972.4(GDAP1):c.389C>A (p.Ser130Tyr)

Gene: GDAP1 (ganglioside induced differentiation associated protein 1; plus strand). Cytogenetic location: 8q21.11.
Variant type: single nucleotide variant.
Coding change: c.389C>A on transcript NM_018972.4 (MANE Select); coding-DNA position 389, C replaced by A.
Protein change: p.Ser130Tyr; replaces serine 130 with tyrosine.
Molecular consequence: missense variant. On other transcripts: intron variant (1).
Genome position (GRCh38, 1-based): chr8:74,360,215, C>A. VCF-style: chr8-74360215-C-A. GRCh37 (hg19) VCF-style: chr8-75272450-C-A.
Other names: c.389C>A (NM_018972.2); c.185C>A, p.Ser62Tyr (NM_001040875.4); c.62C>A, p.Ser21Tyr (NM_001362929.2, NM_001362932.2); c.389C>A, p.Ser130Tyr (NM_001362931.2); c.311-1669C>A (NM_001362930.2); short protein forms S21Y, S62Y, S130Y.
Identifiers: ClinVar variation 810296 (VCV000810296.49), dbSNP rs147295250, ClinGen allele CA4785093.